The following is an entry in ClinVar:

NM_000548.5(TSC2):c.418C>G (p.Leu140Val)

Gene: TSC2 (TSC complex subunit 2; plus strand). Cytogenetic location: 16p13.3.
Variant type: single nucleotide variant.
Coding change: c.418C>G on transcript NM_000548.5 (MANE Select); coding-DNA position 418, C replaced by G.
Protein change: p.Leu140Val; replaces leucine 140 with valine.
Molecular consequence: missense variant. On other transcripts: intron variant (1).
Genome position (GRCh38, 1-based): chr16:2,054,377, C>G. VCF-style: chr16-2054377-C-G. GRCh37 (hg19) VCF-style: chr16-2104378-C-G.
Other names: c.418C>G, p.Leu140Val (NM_001077183.3, NM_001114382.3, NM_001363528.2 and 3 more transcripts); c.307C>G, p.Leu103Val (NM_001318827.2); c.271C>G, p.Leu91Val (NM_001318829.2); c.451C>G, p.Leu151Val (NM_001318832.2); c.-1-1819C>G (NM_001318831.2); short protein forms L103V, L140V, L151V, L91V.
Identifiers: ClinVar variation 1692500 (VCV001692500.8), dbSNP rs1555497657, ClinGen allele CA394307171.

ClinVar aggregate classification (germline): Uncertain significance. Review status: criteria provided, multiple submitters, no conflicts (2 of 4 stars). 4 submissions from 4 submitters: Uncertain significance (4). Last evaluated 2025-10-07.

Conditions:
Hereditary cancer-predisposing syndrome. Also called: Neoplastic Syndromes, Hereditary; Hereditary Cancer Syndrome; Tumor predisposition; Hereditary neoplastic syndrome. Identifiers: Orphanet 140162, MedGen C0027672, MeSH D009386, MONDO:0015356.
Tuberous sclerosis syndrome (TSC). Also called: Tuberous sclerosis; Tuberous Sclerosis Complex. Identifiers: Orphanet 805, MedGen C0041341, MONDO:0001734.
Tuberous sclerosis 2 (TSC2). Identifiers: Orphanet 805, MedGen C1860707, MONDO:0013199, OMIM 613254.

Submissions (4):

Color Diagnostics, LLC DBA Color Health
Classification: Uncertain significance for Tuberous sclerosis syndrome. Last evaluated: 2025-10-07. Review status: criteria provided, single submitter. Criteria: ACMG Guidelines, 2015. Collection method: clinical testing. Allele origin: germline.
Comment: This missense variant replaces leucine with valine at codon 140 of the TSC2 protein. Computational prediction is inconclusive regarding the impact of this variant on protein structure and function. To our knowledge, functional studies have not been reported for this variant. This variant has not been reported in individuals affected with TSC2-related disorders in the literature. This variant has not been identified in the general population by the Genome Aggregation Database (gnomAD). The available evidence is insufficient to determine the role of this variant in disease conclusively. Therefore, this variant is classified as a Variant of Uncertain Significance.

Labcorp Genetics (formerly Invitae), Labcorp
Classification: Uncertain significance for Tuberous sclerosis 2. Last evaluated: 2025-04-28. Review status: criteria provided, single submitter. Criteria: Invitae Variant Classification Sherloc (09022015). Collection method: clinical testing. Allele origin: germline.
Comment: This sequence change replaces leucine, which is neutral and non-polar, with valine, which is neutral and non-polar, at codon 140 of the TSC2 protein (p.Leu140Val). This variant is not present in population databases (gnomAD no frequency). This variant has not been reported in the literature in individuals affected with TSC2-related conditions. ClinVar contains an entry for this variant (Variation ID: 1692500). Invitae Evidence Modeling of protein sequence and biophysical properties (such as structural, functional, and spatial information, amino acid conservation, physicochemical variation, residue mobility, and thermodynamic stability) indicates that this missense variant is not expected to disrupt TSC2 protein function with a negative predictive value of 95%. In summary, the available evidence is currently insufficient to determine the role of this variant in disease. Therefore, it has been classified as a Variant of Uncertain Significance.

Ambry Genetics
Classification: Uncertain significance for Hereditary cancer-predisposing syndrome. Last evaluated: 2024-10-04. Review status: criteria provided, single submitter. Criteria: Ambry Variant Classification Scheme 2023. Collection method: clinical testing. Allele origin: germline.
Comment: The p.L140V variant (also known as c.418C>G), located in coding exon 4 of the TSC2 gene, results from a C to G substitution at nucleotide position 418. The leucine at codon 140 is replaced by valine, an amino acid with highly similar properties. This amino acid position is highly conserved in available vertebrate species. In addition, the in silico prediction for this alteration is inconclusive. Based on the available evidence, the clinical significance of this variant remains unclear.

Sema4
Classification: Uncertain significance for Hereditary cancer-predisposing syndrome. Last evaluated: 2021-12-17. Review status: criteria provided, single submitter. Criteria: Sema4 Curation Guidelines. Collection method: curation. Allele origin: germline.
Comment: The TSC2 c.418C>G (p.L140V) variant has not been reported in the literature to our knowledge. It was not observed in the large and broad cohorts of the Genome Aggregation Database (PMID: 32461654). The variant has not been reported in ClinVar. Functional studies have not been performed, and in silico predictions of the variant's effect on protein function are inconclusive. The evidence is insufficient to meet ACMG/AMP criteria for classifying the variant as benign or pathogenic. Thus, the clinical significance of this variant is currently uncertain.